The following is an entry in ClinVar:

NM_003737.4(DCHS1):c.7342G>A (p.Val2448Met)

Gene: DCHS1 (dachsous cadherin-related 1; minus strand). Cytogenetic location: 11p15.4.
Variant type: single nucleotide variant.
Coding change: c.7342G>A on transcript NM_003737.4 (MANE Select); coding-DNA position 7342, G replaced by A.
Protein change: p.Val2448Met; replaces valine 2448 with methionine.
Molecular consequence: missense variant.
Genome position (GRCh38, 1-based): chr11:6,624,334, C>T on the plus strand (G>A on the coding strand, the complement: DCHS1 is on the minus strand). VCF-style: chr11-6624334-C-T. GRCh37 (hg19) VCF-style: chr11-6645565-C-T.
Other names: c.7342G>A (NM_003737.2); short protein forms V2448M.
Identifiers: ClinVar variation 2795301 (VCV002795301.4), dbSNP rs1214024793, ClinGen allele CA379483273.

ClinVar aggregate classification (germline): Uncertain significance. Review status: criteria provided, multiple submitters, no conflicts (2 of 4 stars). 2 submissions from 2 submitters: Uncertain significance (2). Last evaluated 2025-05-18.

Conditions:
Inborn genetic diseases. Identifiers: MedGen C0950123, MeSH D030342.

Allele frequency attached by ClinVar (database versions not stated): TOPMed below 0.00001; gnomAD 0.00001; gnomAD exomes 0.00001.
gnomAD v4.1: 19 of 1,582,340 alleles (0.0012%); highest among the groups gnomAD compares: South Asian, 0.0023%; no homozygotes.

Submissions (2):

Labcorp Genetics (formerly Invitae), Labcorp
Classification: Uncertain significance. Last evaluated: 2025-05-18. Review status: criteria provided, single submitter. Criteria: Invitae Variant Classification Sherloc (09022015). Collection method: clinical testing. Allele origin: germline.
Comment: This sequence change replaces valine, which is neutral and non-polar, with methionine, which is neutral and non-polar, at codon 2448 of the DCHS1 protein (p.Val2448Met). The frequency data for this variant in the population databases is considered unreliable, as metrics indicate poor data quality at this position in the gnomAD database. This variant has not been reported in the literature in individuals affected with DCHS1-related conditions. ClinVar contains an entry for this variant (Variation ID: 2795301). Invitae Evidence Modeling of protein sequence and biophysical properties (such as structural, functional, and spatial information, amino acid conservation, physicochemical variation, residue mobility, and thermodynamic stability) indicates that this missense variant is expected to disrupt DCHS1 protein function with a positive predictive value of 80%. In summary, the available evidence is currently insufficient to determine the role of this variant in disease. Therefore, it has been classified as a Variant of Uncertain Significance.

Ambry Genetics
Classification: Uncertain significance for Inborn genetic diseases. Last evaluated: 2025-02-08. Review status: criteria provided, single submitter. Criteria: Ambry Variant Classification Scheme 2023. Collection method: clinical testing. Allele origin: germline.